The following is an entry in ClinVar:

NM_152309.3(PIK3AP1):c.1517T>A (p.Leu506His)

Gene: PIK3AP1 (phosphoinositide-3-kinase adaptor protein 1; minus strand). Cytogenetic location: 10q24.1.
Variant type: single nucleotide variant.
Coding change: c.1517T>A on transcript NM_152309.3 (MANE Select); coding-DNA position 1517, T replaced by A.
Protein change: p.Leu506His; replaces leucine 506 with histidine.
Molecular consequence: missense variant.
Genome position (GRCh38, 1-based): chr10:96,626,860, A>T on the plus strand (T>A on the coding strand, the complement: PIK3AP1 is on the minus strand). VCF-style: chr10-96626860-A-T. GRCh37 (hg19) VCF-style: chr10-98386617-A-T.
Other names: short protein forms L506H.
Identifiers: ClinVar variation 1369471 (VCV001369471.8), dbSNP rs1285143382, ClinGen allele CA377756127.

ClinVar aggregate classification (germline): Uncertain significance (1 of 4 stars; one submission).

Conditions:
Infantile spasms. Also called: Infantile spasm. Identifiers: MedGen C3887898, HP:0012469.

Allele frequency attached by ClinVar (database versions not stated): TOPMed below 0.00001; gnomAD 0.00001; gnomAD exomes 0.00001 and 0.00002.
gnomAD v4.1: 29 of 1,614,130 alleles (0.0018%); highest among the groups gnomAD compares: Non-Finnish European, 0.0022%; no homozygotes.

Submission:

Labcorp Genetics (formerly Invitae), Labcorp
Classification: Uncertain significance for Infantile spasms. Last evaluated: 2023-04-17. Review status: criteria provided, single submitter. Criteria: Invitae Variant Classification Sherloc (09022015). Collection method: clinical testing. Allele origin: germline.
Comment: This sequence change replaces leucine, which is neutral and non-polar, with histidine, which is basic and polar, at codon 506 of the PIK3AP1 protein (p.Leu506His). In summary, the available evidence is currently insufficient to determine the role of this variant in disease. Therefore, it has been classified as a Variant of Uncertain Significance. Algorithms developed to predict the effect of missense changes on protein structure and function output the following: SIFT: "Not Available"; PolyPhen-2: "Benign"; Align-GVGD: "Not Available". The histidine amino acid residue is found in multiple mammalian species, which suggests that this missense change does not adversely affect protein function. ClinVar contains an entry for this variant (Variation ID: 1369471). This variant has not been reported in the literature in individuals affected with PIK3AP1-related conditions. This variant is present in population databases (no rsID available, gnomAD 0.003%).